The following is an entry in ClinVar:

NM_000516.7(GNAS):c.114G>A (p.Arg38=)

Gene: GNAS (GNAS complex locus; plus strand). Cytogenetic location: 20q13.32.
Variant type: single nucleotide variant.
Coding change: c.114G>A on transcript NM_000516.7 (MANE Select); coding-DNA position 114, G replaced by A.
Protein change: p.Arg38=; no amino-acid change (arginine 38 retained).
Molecular consequence: synonymous variant. On other transcripts: intron variant (6).
Genome position (GRCh38, 1-based): chr20:58,891,840, G>A. VCF-style: chr20-58891840-G-A. GRCh37 (hg19) VCF-style: chr20-57466895-G-A.
Other names: c.114G>A (NM_000516.5); c.114G>A, p.Arg38= (NM_001077488.5, NM_001077489.4, NM_001309842.2 and 1 more transcripts); c.*43-3772G>A (NM_016592.5); c.-38-3772G>A (NM_001309861.2); c.*1-3772G>A (NM_001077490.3); c.2069-3772G>A (NM_080425.4); c.*159-3772G>A (NM_001309883.1); c.-39+2487G>A (NM_001309840.2).
Identifiers: ClinVar variation 1112346 (VCV001112346.11), dbSNP rs770697642, ClinGen allele CA9926887.

ClinVar aggregate classification (germline): Likely benign. Review status: criteria provided, single submitter (1 of 4 stars). 2 submissions from 2 submitters: Likely benign (1). 1 of the submissions does not count toward it. Last evaluated 2025-11-17.

Conditions:
GNAS-related disorder. Identifiers: MedGen CN380105.

Allele frequency attached by ClinVar (database versions not stated): gnomAD 0.00001; TOPMed 0.00002; ExAC 0.00003; gnomAD exomes 0.00004.
gnomAD v4.1: 16 of 1,244,444 alleles (0.0013%); highest among the groups gnomAD compares: Admixed American, 0.018%; no homozygotes.

Submissions (2):

Labcorp Genetics (formerly Invitae), Labcorp
Classification: Likely benign. Last evaluated: 2025-11-17. Review status: criteria provided, single submitter. Criteria: Invitae Variant Classification Sherloc (09022015). Collection method: clinical testing. Allele origin: germline.

PreventionGenetics, part of Exact Sciences
Classification: Likely benign for GNAS-related condition. Last evaluated: 2020-10-12. Review status: no assertion criteria provided. Collection method: clinical testing. Allele origin: germline. Not counted in ClinVar's aggregate classification.
Comment: This variant is classified as likely benign based on ACMG/AMP sequence variant interpretation guidelines (Richards et al. 2015 PMID: 25741868, with internal and published modifications).